The following is an entry in ClinVar:

NM_000277.3(PAH):c.1089G>T (p.Lys363Asn)

Gene: PAH (phenylalanine hydroxylase; minus strand). Cytogenetic location: 12q23.2.
Variant type: single nucleotide variant.
Coding change: c.1089G>T on transcript NM_000277.3 (MANE Select); coding-DNA position 1089, G replaced by T.
Protein change: p.Lys363Asn; replaces lysine 363 with asparagine.
Molecular consequence: missense variant.
Genome position (GRCh38, 1-based): chr12:102,843,756, C>A on the plus strand (G>T on the coding strand, the complement: PAH is on the minus strand). VCF-style: chr12-102843756-C-A. GRCh37 (hg19) VCF-style: chr12-103237534-C-A.
Other names: c.1089G>T, p.Lys363Asn (NM_001354304.2); short protein forms K363N.
Identifiers: ClinVar variation 102517 (VCV000102517.4), dbSNP rs63329263, ClinGen allele CA229334.

ClinVar aggregate classification (germline): Uncertain significance. Review status: reviewed by expert panel (3 of 4 stars). 4 submissions from 4 submitters: Uncertain significance (1). 3 of the submissions do not count toward it. Last evaluated 2021-02-26.

Conditions:
Phenylketonuria (PKU). Also called: Phenylketonuria (PKU); FOLLING DISEASE; OLIGOPHRENIA PHENYLPYRUVICA; Phenylketonurias. Identifiers: Orphanet 716, MedGen C0031485, MONDO:0009861, OMIM 261600. Disease mechanism: loss of function.

Allele frequency attached by ClinVar (database versions not stated): TOPMed 0.00001.
gnomAD v4.1: 3 of 1,613,702 alleles (0.00019%); highest among the groups gnomAD compares: East Asian, 0.0022%; no homozygotes.

Submissions (4):

ClinGen PAH Variant Curation Expert Panel
Classification: Uncertain significance for Phenylketonuria. Last evaluated: 2021-02-26. Review status: reviewed by expert panel. Criteria: ClinGen PAH ACMG Specifications v1. Collection method: curation. Allele origin: germline. Inheritance: Autosomal recessive inheritance.
Comment: The c.1089G>T (p.Lys363Asn) variant in PAH has been reported in 3 patients with mild HPA and mild PKU. A defect in the synthesis or regeneration pathways of 6R-BH4 was ruled out. It was detected in trans with pathogenic variants Phe55Leufs*6 (PMID: 27121329) and c.442-1G>A (PMID: 29316886). This variant is absent in population databases. However, multiple lines of computation evidence suggest no impact on the PAH protein. In summary, computational evidence conflicts with case level evidence and is therefore classified as uncertain significance for PAH. PAH-specific ACMG/AMP criteria applied: PM3_strong, PP4_Moderate, PM2, BP4.

Women's Health and Genetics/Laboratory Corporation of America, LabCorp
Classification: Likely pathogenic for Phenylketonuria. Last evaluated: 2025-12-03. Review status: criteria provided, single submitter. Criteria: LabCorp Variant Classification Summary - May 2015. Collection method: clinical testing. Allele origin: germline. Not counted in ClinVar's aggregate classification.
Comment: Variant summary: PAH c.1089G>T (p.Lys363Asn) results in a non-conservative amino acid change located in the catalytic domain (IPR041912) of the encoded protein sequence. Algorithms developed to predict the effect of missense changes on protein structure and function are either unavailable or do not agree on the potential impact of this missense change. The variant allele was found at a frequency of 1.9e-06 in 1606716 control chromosomes (gnomAD). c.1089G>T has been observed in compound heterozygous individuals affected with Phenylalanine Hydroxylase Deficiency, and in multiple cases the phenotype was described as mild hyperphenylalaninemia or mild/moderate Phenylketonuria (e.g. Aldamiz-Echevarria_2016, Liu_2017, Hillert_2020). These data indicate that the variant is likely to be associated with disease. To our knowledge, no experimental evidence demonstrating an impact on protein function has been reported. A different variant resulting in the same missense change (c.1089G>C, p.K363N) has been also reported in affected individuals (HGMD), indicating that this missense change is clinically relevant. The following publications have been ascertained in the context of this evaluation (PMID: 27121329, 28982351, 32668217, 36646061). ClinVar contains an entry for this variant (Variation ID: 102517). Based on the evidence outlined above, the variant was classified as likely pathogenic.

Counsyl
Classification: Uncertain significance for Phenylketonuria. Last evaluated: 2017-08-25. Review status: no assertion criteria provided. Collection method: clinical testing. Allele origin: unknown. Not counted in ClinVar's aggregate classification.

DeBelle Laboratory for Biochemical Genetics, MUHC/MCH RESEARCH INSTITUTE
No classification provided. Review status: no classification provided. Collection method: not provided. Allele origin: not provided. Not counted in ClinVar's aggregate classification.

Literature cited by the submitters: PubMed 28982351 (cited by Women's Health and Genetics/Laboratory Corporation of America, LabCorp); PubMed 27121329 (cited by Women's Health and Genetics/Laboratory Corporation of America, LabCorp and Counsyl); PubMed 32668217 (cited by Women's Health and Genetics/Laboratory Corporation of America, LabCorp); PubMed 36646061 (cited by Women's Health and Genetics/Laboratory Corporation of America, LabCorp); PubMed 27264808 (cited by Counsyl).